The following is an entry in ClinVar:

ClinVar aggregate classification (germline): Likely benign. Review status: criteria provided, multiple submitters, no conflicts (2 of 4 stars). 7 submissions from 7 submitters: Likely benign (6). 1 of the submissions does not count toward it. Last evaluated 2025-11-19.

Conditions:
Ehlers-Danlos syndrome, type 4 (EDSVASC). Also called: Ehlers-Danlos syndrome vascular type; Ehlers Danlos syndrome, ecchymotic type; Ehlers Danlos syndrome, arterial type; Ehlers Danlos syndrome, Sack-Barabas type; Ehlers-Danlos Syndrome Type IV. Identifiers: Orphanet 286, MedGen C0268338, MONDO:0017314, OMIM 130050.
Familial thoracic aortic aneurysm and aortic dissection (TAAD). Also called: Thoracic aortic aneurysms and dissections. Identifiers: Orphanet 91387, MedGen C4707243, MONDO:0019625.
COL3A1-related disorder. Also called: COL3A1-related condition.

Allele frequency attached by ClinVar (database versions not stated): gnomAD exomes 0.00001.

Submissions (7):

Labcorp Genetics (formerly Invitae), Labcorp
Classification: Likely benign for Ehlers-Danlos syndrome, type 4. Last evaluated: 2025-11-19. Review status: criteria provided, single submitter. Criteria: Invitae Variant Classification Sherloc (09022015). Collection method: clinical testing. Allele origin: germline.

Molecular Diagnostic Laboratory for Inherited Cardiovascular Disease, Montreal Heart Institute
Classification: Likely benign. Last evaluated: 2025-04-09. Review status: criteria provided, single submitter. Criteria: ACMG Guidelines, 2015. Collection method: clinical testing. Allele origin: germline. Affected: no.

All of Us Research Program, National Institutes of Health
Classification: Likely benign for Ehlers-Danlos syndrome, type 4. Last evaluated: 2023-06-08. Review status: criteria provided, single submitter. Criteria: ACMG Guidelines, 2015. Collection method: clinical testing. Allele origin: germline. Inheritance: Autosomal dominant inheritance. Observed: 2 variant alleles, 2 heterozygotes.
Comment: This study involves interpretation of variants in research participants for the purpose of population health screening. Participant phenotype was not available at the time of variant classification. Additional details can be found in publication PMID: 35346344, PMCID: PMC8962531

Color Diagnostics, LLC DBA Color Health
Classification: Likely benign for Familial thoracic aortic aneurysm and aortic dissection. Last evaluated: 2022-11-06. Review status: criteria provided, single submitter. Criteria: ACMG Guidelines, 2015. Collection method: clinical testing. Allele origin: germline.

Ambry Genetics
Classification: Likely benign for Familial thoracic aortic aneurysm and aortic dissection. Last evaluated: 2019-05-19. Review status: criteria provided, single submitter. Criteria: Ambry Variant Classification Scheme 2023. Collection method: clinical testing. Allele origin: germline.

GeneDx
Classification: Likely benign. Last evaluated: 2018-05-01. Review status: criteria provided, single submitter. Criteria: GeneDx Variant Classification (06012015). Collection method: clinical testing. Allele origin: germline. Affected: yes.
Comment: This variant is considered likely benign or benign based on one or more of the following criteria: it is a conservative change, it occurs at a poorly conserved position in the protein, it is predicted to be benign by multiple in silico algorithms, and/or has population frequency not consistent with disease.

PreventionGenetics, part of Exact Sciences
Classification: Likely benign for COL3A1-related condition. Last evaluated: 2020-01-14. Review status: no assertion criteria provided. Collection method: clinical testing. Allele origin: germline. Not counted in ClinVar's aggregate classification.
Comment: This variant is classified as likely benign based on ACMG/AMP sequence variant interpretation guidelines (Richards et al. 2015 PMID: 25741868, with internal and published modifications).

NM_000090.4(COL3A1):c.1836T>C (p.Gly612=)

Gene: COL3A1 (collagen type III alpha 1 chain; plus strand). Cytogenetic location: 2q32.2.
Variant type: single nucleotide variant.
Coding change: c.1836T>C on transcript NM_000090.4 (MANE Select); coding-DNA position 1836, T replaced by C.
Protein change: p.Gly612=; no amino-acid change (glycine 612 retained).
Molecular consequence: synonymous variant.
Genome position (GRCh38, 1-based): chr2:188,997,356, T>C. VCF-style: chr2-188997356-T-C. GRCh37 (hg19) VCF-style: chr2-189862082-T-C.
Identifiers: ClinVar variation 682416 (VCV000682416.16), dbSNP rs1576467117, ClinGen allele CA430309937.